The following is an entry in ClinVar:

NM_001173990.3(TMEM216):c.46TCC[1] (p.Ser17del)

Gene: TMEM216 (transmembrane protein 216; plus strand). Cytogenetic location: 11q12.2.
Variant type: Microsatellite.
Coding change: c.46TCC[1] on transcript NM_001173990.3 (MANE Select); one copy of the 3-base unit TCC starting at c.46; the reference has two copies in a row; one copy, 3 bases deleted.
Protein change: p.Ser17del; deletes serine 17.
Molecular consequence: inframe deletion. On other transcripts: 5 prime UTR variant (2).
Genome position (GRCh38, 1-based): chr11:61,393,245-61,393,247, TCC deleted; deleting any 3 consecutive bases within chr11:61,393,242-61,393,247 gives the same sequence; the position shown is the placement nearest the transcript's 3' end. VCF-style (leftmost placement, unchanged base first): chr11-61393241-GTCC-G. GRCh37 (hg19) VCF-style: chr11-61160713-GTCC-G.
Other names: c.46TCC[1], p.Ser17del (NM_001173991.3); c.-138TCC[1] (NM_001330285.2, NM_016499.6); short protein forms S17del.
Identifiers: ClinVar variation 5004903 (VCV005004903.1).
Genomic context (GRCh38, chr11:61,393,241, plus strand): 5'-AGAGGGAGCTGCCTTCCGGCCCATCCCACTTCTCTGTGCTCCTTTTTCAGGTAAACGGTT[GTCC>G]TCCACCCCGCTGGAAATCCTGTTCTTTCTGAACGGGTGGTATAATGCTACCTATTTCCTG-3'

ClinVar aggregate classification (germline): Uncertain significance (1 of 4 stars; one submission).

Conditions:
Ciliopathy. Also called: Ciliopathies. Identifiers: Orphanet 363250, MedGen C4277690, MONDO:0005308, MeSH D000072661.

Submission:

Myriad Genetics, Inc.
Classification: Uncertain significance for Ciliopathy. Last evaluated: 2026-04-24. Review status: criteria provided, single submitter. Criteria: Myriad Autosomal Dominant, Autosomal Recessive and X-Linked Classification Criteria (2023). Collection method: clinical testing. Allele origin: unknown.
Comment: NM_001173990.2(TMEM216):c.49_51delTCC(S17del) is an in-frame deletion classified as a variant of uncertain significance in the context of Joubert syndrome 2. S17del has not been observed in cases with relevant disease. Relevant functional assessments of this variant are not available in the literature. S17del has not been observed in referenced population frequency databases. In summary, there is insufficient evidence to classify NM_001173990.2(TMEM216):c.49_51delTCC(S17del) as pathogenic or benign. Please note: this variant was assessed in the context of healthy population screening.